The following is an entry in ClinVar:

ClinVar aggregate classification (germline): Uncertain significance (1 of 4 stars; one submission).

Conditions:
Rhabdoid tumor predisposition syndrome 2 (RTPS2). Identifiers: Orphanet 231108, Orphanet 69077, MedGen C2750074, MONDO:0013224, OMIM 613325.

Submission:

Labcorp Genetics (formerly Invitae), Labcorp
Classification: Uncertain significance for Rhabdoid tumor predisposition syndrome 2. Last evaluated: 2022-04-24. Review status: criteria provided, single submitter. Criteria: Invitae Variant Classification Sherloc (09022015). Collection method: clinical testing. Allele origin: germline.
Comment: This sequence change replaces proline, which is neutral and non-polar, with glutamine, which is neutral and polar, at codon 336 of the SMARCA4 protein (p.Pro336Gln). This variant is not present in population databases (gnomAD no frequency). This variant has not been reported in the literature in individuals affected with SMARCA4-related conditions. Algorithms developed to predict the effect of missense changes on protein structure and function (SIFT, PolyPhen-2, Align-GVGD) all suggest that this variant is likely to be disruptive. In summary, the available evidence is currently insufficient to determine the role of this variant in disease. Therefore, it has been classified as a Variant of Uncertain Significance.

NM_003072.5(SMARCA4):c.1007C>A (p.Pro336Gln)

Gene: SMARCA4 (SWI/SNF related BAF chromatin remodeling complex subunit ATPase 4; plus strand). Cytogenetic location: 19p13.2.
Variant type: single nucleotide variant.
Coding change: c.1007C>A on transcript NM_003072.5 (MANE Select); coding-DNA position 1007, C replaced by A.
Protein change: p.Pro336Gln; replaces proline 336 with glutamine.
Molecular consequence: missense variant. On other transcripts: non-coding transcript variant (1).
Genome position (GRCh38, 1-based): chr19:10,987,813, C>A. VCF-style: chr19-10987813-C-A. GRCh37 (hg19) VCF-style: chr19-11098489-C-A.
Other names: c.1007C>A, p.Pro336Gln (NM_001128844.3, NM_001128845.2, NM_001128846.2 and 6 more transcripts); short protein forms P336Q.
Identifiers: ClinVar variation 2130153 (VCV002130153.4), dbSNP rs765058736, ClinGen allele CA404058623.